The following is an entry in ClinVar:

ClinVar aggregate classification (germline): Benign/Likely benign. Review status: criteria provided, multiple submitters, no conflicts (2 of 4 stars). 3 submissions from 3 submitters: Benign (1); Likely benign (2). Last evaluated 2025-08-29.

Conditions:
Hereditary cancer-predisposing syndrome. Also called: Neoplastic Syndromes, Hereditary; Hereditary Cancer Syndrome; Tumor predisposition; Hereditary neoplastic syndrome. Identifiers: Orphanet 140162, MedGen C0027672, MeSH D009386, MONDO:0015356.
Familial cancer of breast. Also called: hereditary breast carcinoma; Hereditary breast cancer; BREAST CANCER, FAMILIAL. Identifiers: Orphanet 227535, MedGen C0346153, MONDO:0016419, OMIM 114480. Disease mechanism: loss of function.

Submissions (3):

Ambry Genetics
Classification: Likely benign for Hereditary cancer-predisposing syndrome. Last evaluated: 2025-08-29. Review status: criteria provided, single submitter. Criteria: Ambry Variant Classification Scheme 2023. Collection method: clinical testing. Allele origin: germline.

Myriad Genetics, Inc.
Classification: Benign for Familial cancer of breast. Last evaluated: 2024-10-04. Review status: criteria provided, single submitter. Criteria: Myriad Autosomal Dominant, Autosomal Recessive and X-Linked Classification Criteria (2023). Collection method: clinical testing. Allele origin: unknown.
Comment: This variant is considered benign. This variant is a silent/synonymous amino acid change and it is not expected to impact splicing.

Labcorp Genetics (formerly Invitae), Labcorp
Classification: Likely benign for Familial cancer of breast. Last evaluated: 2023-11-08. Review status: criteria provided, single submitter. Criteria: Invitae Variant Classification Sherloc (09022015). Collection method: clinical testing. Allele origin: germline.

NM_007194.4(CHEK2):c.954C>G (p.Arg318=)

Gene: CHEK2 (checkpoint kinase 2; minus strand). Cytogenetic location: 22q12.1.
Variant type: single nucleotide variant.
Coding change: c.954C>G on transcript NM_007194.4 (MANE Select); coding-DNA position 954, C replaced by G.
Protein change: p.Arg318=; no amino-acid change (arginine 318 retained).
Molecular consequence: synonymous variant.
Genome position (GRCh38, 1-based): chr22:28,699,892, G>C on the plus strand (C>G on the coding strand, the complement: CHEK2 is on the minus strand). VCF-style: chr22-28699892-G-C. GRCh37 (hg19) VCF-style: chr22-29095880-G-C.
Other names: c.954C>G (NM_007194.3); c.1083C>G, p.Arg361= (NM_001005735.3); c.291C>G, p.Arg97= (NM_001257387.3); c.753C>G, p.Arg251= (NM_001349956.3); c.954C>G, p.Arg318= (NM_145862.3).
Identifiers: ClinVar variation 2694274 (VCV002694274.5), dbSNP rs1601738778, ClinGen allele CA513945038.